The following is an entry in ClinVar:

NM_177438.3(DICER1):c.2190T>A (p.Asp730Glu)

Gene: DICER1 (dicer 1, ribonuclease III; minus strand). Cytogenetic location: 14q32.13.
Variant type: single nucleotide variant.
Coding change: c.2190T>A on transcript NM_177438.3 (MANE Select); coding-DNA position 2190, T replaced by A.
Protein change: p.Asp730Glu; replaces aspartic acid 730 with glutamic acid.
Molecular consequence: missense variant. On other transcripts: non-coding transcript variant (6).
Genome position (GRCh38, 1-based): chr14:95,111,383, A>T on the plus strand (T>A on the coding strand, the complement: DICER1 is on the minus strand). VCF-style: chr14-95111383-A-T. GRCh37 (hg19) VCF-style: chr14-95577720-A-T.
Other names: c.2190T>A, p.Asp730Glu (NM_001195573.1, NM_001271282.3, NM_001291628.2 and 13 more transcripts); c.1908T>A, p.Asp636Glu (NM_001395686.1); c.1785T>A, p.Asp595Glu (NM_001395687.1, NM_001395688.1, NM_001395689.1 and 3 more transcripts); c.1623T>A, p.Asp541Glu (NM_001395691.1); c.507T>A, p.Asp169Glu (NM_001395697.1); short protein forms D169E, D541E, D595E, D636E, D730E.
Identifiers: ClinVar variation 3229330 (VCV003229330.1), dbSNP rs2542912593, ClinGen allele CA390882669.
Genomic context (GRCh38, chr14:95,111,383, plus strand): 5'-TGGGTAGCACTGCCTTCGTTTCGTGGAACCTGGTCTTCCTGGAACACTGGTCTCTTCTTC[A>T]TCATGCAAATCAAGCTCCTCTTCATATTTAACAGTCTCTTTCCCAACTGGCATCAAATGG-3'
Protein context (NP_803187.1, residues 720-740): VKYEEELDLH[Asp730Glu]EEETSVPGRP

ClinVar aggregate classification (germline): Uncertain significance (1 of 4 stars; one submission).

Conditions:
Hereditary cancer-predisposing syndrome. Also called: Neoplastic Syndromes, Hereditary; Tumor predisposition; Hereditary neoplastic syndrome; Hereditary Cancer Syndrome. Identifiers: Orphanet 140162, MedGen C0027672, MeSH D009386, MONDO:0015356.

Submission:

Ambry Genetics
Classification: Uncertain significance for Hereditary cancer-predisposing syndrome. Last evaluated: 2024-02-11. Review status: criteria provided, single submitter. Criteria: Ambry Variant Classification Scheme 2023. Collection method: clinical testing. Allele origin: germline.
Comment: The p.D730E variant (also known as c.2190T>A), located in coding exon 13 of the DICER1 gene, results from a T to A substitution at nucleotide position 2190. The aspartic acid at codon 730 is replaced by glutamic acid, an amino acid with highly similar properties. This amino acid position is conserved. In addition, this alteration is predicted to be tolerated by in silico analysis. Based on the available evidence, the clinical significance of this alteration remains unclear.